The following is an entry in ClinVar:

NM_153717.3(EVC):c.784del (p.Leu262fs)

Gene: EVC (EvC ciliary complex subunit 1; plus strand). Cytogenetic location: 4p16.2.
Variant type: Deletion.
Coding change: c.784del on transcript NM_153717.3 (MANE Select); coding-DNA position 784, one base deleted (C; older notation c.784delC).
Protein change: p.Leu262fs; shifts the reading frame from leucine 262.
Molecular consequence: frameshift variant.
Genome position (GRCh38, 1-based): chr4:5,741,797, C deleted; the last of 2 consecutive C bases (chr4:5,741,796-5,741,797); deleting either gives the same sequence. VCF-style (leftmost placement, unchanged base first): chr4-5741795-TC-T. GRCh37 (hg19) VCF-style: chr4-5743522-TC-T.
Other names: c.784del, p.Leu262fs (NM_001306090.2, NM_001306092.2); short protein forms L262fs.
Identifiers: ClinVar variation 1453102 (VCV001453102.4), dbSNP rs1560315890, ClinGen allele CA549398399.

ClinVar aggregate classification (germline): Pathogenic (1 of 4 stars; one submission).

Conditions:
Ellis-van Creveld syndrome (EVC). Also called: EVC-Related Ellis-van Creveld Syndrome; EVC2-Related Ellis-van Creveld Syndrome; MESOECTODERMAL DYSPLASIA; Chondroectodermal dysplasia. Identifiers: Orphanet 289, MedGen C0013903, MONDO:0009162, OMIM 225500.
Curry-Hall syndrome (WAD). Also called: WEYERS ACRODENTAL DYSOSTOSIS. Identifiers: Orphanet 952, MedGen C0457013, MONDO:0008673, OMIM 193530.

Submission:

Labcorp Genetics (formerly Invitae), Labcorp
Classification: Pathogenic for Curry-Hall syndrome; Ellis-van Creveld syndrome. Last evaluated: 2020-12-10. Review status: criteria provided, single submitter. Criteria: Invitae Variant Classification Sherloc (09022015). Collection method: clinical testing. Allele origin: germline.
Comment: This sequence change creates a premature translational stop signal (p.Leu262Phefs*11) in the EVC gene. It is expected to result in an absent or disrupted protein product. Loss-of-function variants in EVC are known to be pathogenic (PMID: 23220543). This variant is not present in population databases (ExAC no frequency). This variant has not been reported in the literature in individuals with EVC-related conditions. For these reasons, this variant has been classified as Pathogenic.

Literature cited by the submitters: PubMed 23220543.